The following is an entry in ClinVar:

ClinVar aggregate classification (germline): Likely benign. Review status: criteria provided, multiple submitters, no conflicts (2 of 4 stars). 2 submissions from 2 submitters: Likely benign (2). Last evaluated 2025-07-14.

Conditions:
Familial hemophagocytic lymphohistiocytosis 5. Also called: STXBP2-Related Familial Hemophagocytic Lymphohistiocytosis (STXBP2-fHLH). Identifiers: Orphanet 540, MedGen C2751293, MONDO:0013135, OMIM 613101.

Allele frequency attached by ClinVar (database versions not stated): gnomAD 0.00004.
gnomAD v4.1: 74 of 1,243,454 alleles (0.006%); highest among the groups gnomAD compares: Non-Finnish European, 0.0073%; no homozygotes.

Submissions (2):

Labcorp Genetics (formerly Invitae), Labcorp
Classification: Likely benign for Familial hemophagocytic lymphohistiocytosis 5. Last evaluated: 2025-07-14. Review status: criteria provided, single submitter. Criteria: Invitae Variant Classification Sherloc (09022015). Collection method: clinical testing. Allele origin: germline.

Mayo Clinic Laboratories, Mayo Clinic
Classification: Likely benign. Last evaluated: 2025-02-13. Review status: criteria provided, single submitter. Criteria: ACMG Guidelines, 2015. Collection method: clinical testing. Allele origin: germline. Observed: 1 variant allele.
Comment: BP4, BP7

NM_006949.4(STXBP2):c.27G>C (p.Val9=)

Gene: STXBP2 (syntaxin binding protein 2; plus strand). Cytogenetic location: 19p13.2.
Variant type: single nucleotide variant.
Coding change: c.27G>C on transcript NM_006949.4 (MANE Select); coding-DNA position 27, G replaced by C.
Protein change: p.Val9=; no amino-acid change (valine 9 retained).
Molecular consequence: synonymous variant. On other transcripts: non-coding transcript variant (1).
Genome position (GRCh38, 1-based): chr19:7,637,176, G>C. VCF-style: chr19-7637176-G-C. GRCh37 (hg19) VCF-style: chr19-7702062-G-C.
Other names: p.Val9=; c.27G>C, p.Val9= (NM_001127396.3, NM_001272034.2).
Identifiers: ClinVar variation 1595282 (VCV001595282.9), dbSNP rs969393527, ClinGen allele CA304902735.